The following is an entry in ClinVar:

ClinVar aggregate classification (germline): Pathogenic (1 of 4 stars; one submission).

Submission:

Labcorp Genetics (formerly Invitae), Labcorp
Classification: Pathogenic. Last evaluated: 2023-03-27. Review status: criteria provided, single submitter. Criteria: Invitae Variant Classification Sherloc (09022015). Collection method: clinical testing. Allele origin: germline.
Comment: For these reasons, this variant has been classified as Pathogenic. This variant has not been reported in the literature in individuals affected with VPS13A-related conditions. This variant is not present in population databases (gnomAD no frequency). This sequence change creates a premature translational stop signal (p.Leu2909Hisfs*2) in the VPS13A gene. It is expected to result in an absent or disrupted protein product. Loss-of-function variants in VPS13A are known to be pathogenic (PMID: 12404112, 21598378).

Literature cited by the submitters: PubMed 12404112; PubMed 21598378.

NM_033305.3(VPS13A):c.8724_8725dup (p.Leu2909fs)

Gene: VPS13A (vacuolar protein sorting 13 homolog A; plus strand). Cytogenetic location: 9q21.2.
Variant type: Duplication.
Coding change: c.8724_8725dup on transcript NM_033305.3 (MANE Select); coding-DNA positions 8724 to 8725, 2 bases duplicated (AC; older notation c.8724_8725dupAC).
Protein change: p.Leu2909fs; shifts the reading frame from leucine 2909.
Molecular consequence: frameshift variant.
Genome position (GRCh38, 1-based): chr9:77,370,313-77,370,314, AC duplicated; duplicating any 2 consecutive bases within chr9:77,370,312-77,370,314 gives the same sequence; the c. name uses the placement nearest the transcript's 3' end. VCF-style (leftmost placement, unchanged base first): chr9-77370311-G-GCA. GRCh37 (hg19) VCF-style: chr9-79985227-G-GCA.
Other names: c.8607_8608dup, p.Leu2870fs (NM_001018037.2); c.8724_8725dup, p.Leu2909fs (NM_001018038.3, NM_015186.4); short protein forms L2870fs, L2909fs.
Identifiers: ClinVar variation 2850136 (VCV002850136.3), dbSNP rs2538202778, ClinGen allele CA2739269320.
Genomic context (GRCh38, chr9:77,370,311, plus strand): 5'-CTTTAGGGAGCCATCCAGGGTCCTGAAGAGTTTGTGGAAGGAATGGCACTAGGACTTAAG[G>GCA]CACTAGTTGGTGGAGCTGTTGGTAAGAAACAGAATATCTACCAAGTATTTTTGTGCTAGA-3'